The following is an entry in ClinVar:

NM_001844.5(COL2A1):c.2734-45_2734-43del

Gene: COL2A1 (collagen type II alpha 1 chain; minus strand). Cytogenetic location: 12q13.11.
Variant type: Deletion.
Coding change: c.2734-45_2734-43del on transcript NM_001844.5 (MANE Select); 45 bases into the intron before coding-DNA position 2734 through 43 bases into the intron before coding-DNA position 2734, 3 bases deleted (GGA; older notation c.2734-45_2734-43delGGA).
Molecular consequence: intron variant.
Genome position (GRCh38, 1-based): chr12:47,978,801-47,978,803, TCC deleted on the plus strand (GGA on the coding strand, the reverse complement: COL2A1 is on the minus strand); deleting any 3 consecutive bases within chr12:47,978,801-47,978,805 gives the same sequence; the c. name uses the placement nearest the transcript's 3' end. VCF-style (leftmost placement, unchanged base first): chr12-47978800-TTCC-T. GRCh37 (hg19) VCF-style: chr12-48372583-TTCC-T.
Other names: c.2527-45_2527-43del (NM_033150.3).
Identifiers: ClinVar variation 675134 (VCV000675134.1), dbSNP rs59984649, ClinGen allele CA6535003.

ClinVar aggregate classification (germline): Benign (1 of 4 stars; one submission).

Submission:

GeneDx
Classification: Benign. Last evaluated: 2018-06-14. Review status: criteria provided, single submitter. Criteria: GeneDx Variant Classification (06012015). Collection method: clinical testing. Allele origin: germline. Affected: yes.
Comment: This variant is considered likely benign or benign based on one or more of the following criteria: it is a conservative change, it occurs at a poorly conserved position in the protein, it is predicted to be benign by multiple in silico algorithms, and/or has population frequency not consistent with disease.